The following is an entry in ClinVar:

ClinVar aggregate classification (germline): Uncertain significance. Review status: criteria provided, multiple submitters, no conflicts (2 of 4 stars). 4 submissions from 4 submitters: Uncertain significance (4). Last evaluated 2025-11-06.

Conditions:
RYR1-related disorder. Also called: RYR1-related condition; RYR1-related disorders. Identifiers: MedGen CN239331.
Malignant hyperthermia, susceptibility to, 1 (MHS1). Also called: Anesthesia related hyperthermia; Malignant hyperpyrexia; Fulminating hyperpyrexia; Pharmacogenic myopathy; RYR1-Related Malignant Hyperthermia Susceptibility; Malignant hyperthermia suceptibility 1. Identifiers: Orphanet 423, MedGen C2930980, MONDO:0007783, OMIM 145600.

Submissions (4):

Labcorp Genetics (formerly Invitae), Labcorp
Classification: Uncertain significance for RYR1-related disorder. Last evaluated: 2025-11-06. Review status: criteria provided, single submitter. Criteria: Invitae Variant Classification Sherloc (09022015). Collection method: clinical testing. Allele origin: germline.
Comment: This sequence change replaces tyrosine, which is neutral and polar, with phenylalanine, which is neutral and non-polar, at codon 246 of the RYR1 protein (p.Tyr246Phe). This variant is present in population databases (no rsID available, gnomAD 0.0009%). This variant has not been reported in the literature in individuals affected with RYR1-related conditions. ClinVar contains an entry for this variant (Variation ID: 3071272). Invitae Evidence Modeling of protein sequence and biophysical properties (such as structural, functional, and spatial information, amino acid conservation, physicochemical variation, residue mobility, and thermodynamic stability) has been performed for this missense variant. However, the output from this modeling did not meet the statistical confidence thresholds required to predict the impact of this variant on RYR1 protein function. In summary, the available evidence is currently insufficient to determine the role of this variant in disease. Therefore, it has been classified as a Variant of Uncertain Significance.

Women's Health and Genetics/Laboratory Corporation of America, LabCorp
Classification: Uncertain significance. Last evaluated: 2024-08-15. Review status: criteria provided, single submitter. Criteria: LabCorp Variant Classification Summary - May 2015. Collection method: clinical testing. Allele origin: germline.
Comment: Variant summary: RYR1 c.737A>T (p.Tyr246Phe) results in a conservative amino acid change in the encoded protein sequence. Four of five in-silico tools predict a damaging effect of the variant on protein function. The variant allele was found at a frequency of 4e-06 in 251210 control chromosomes (gnomAD). The available data on variant occurrences in the general population are insufficient to allow any conclusion about variant significance. To our knowledge, no occurrence of c.737A>T in individuals affected with Myopathy, RYR1-Associated and no experimental evidence demonstrating its impact on protein function have been reported. ClinVar contains an entry for this variant (Variation ID: 3071272). Based on the evidence outlined above, the variant was classified as uncertain significance.

Color Diagnostics, LLC DBA Color Health
Classification: Uncertain significance for Malignant hyperthermia, susceptibility to, 1. Last evaluated: 2024-03-07. Review status: criteria provided, single submitter. Criteria: ACMG Guidelines, 2015. Collection method: clinical testing. Allele origin: germline.
Comment: This missense variant replaces tyrosine with phenylalanine at codon 246 of the RYR1 protein. Computational prediction suggests that this variant may have deleterious impact on protein structure and function. To our knowledge, functional studies have not been reported for this variant. This variant has not been reported in individuals affected with RYR1-related disorders in the literature. This variant has been identified in 1/251210 chromosomes in the general population by the Genome Aggregation Database (gnomAD). The available evidence is insufficient to determine the role of this variant in disease conclusively. Therefore, this variant is classified as a Variant of Uncertain Significance.

All of Us Research Program, National Institutes of Health
Classification: Uncertain significance for Malignant hyperthermia, susceptibility to, 1. Last evaluated: 2023-05-16. Review status: criteria provided, single submitter. Criteria: ACMG Guidelines, 2015. Collection method: clinical testing. Allele origin: germline. Inheritance: Autosomal dominant inheritance. Observed: 1 variant allele, 1 heterozygote.
Comment: This missense variant replaces tyrosine with phenylalanine at codon 246 of the RYR1 protein. Computational prediction suggests that this variant may have deleterious impact on protein structure and function (internally defined REVEL score threshold >= 0.7, PMID: 27666373). To our knowledge, functional studies have not been reported for this variant. This variant has not been reported in individuals affected with RYR1-related disorders in the literature. This variant has been identified in 1/251210 chromosomes in the general population by the Genome Aggregation Database (gnomAD). The available evidence is insufficient to determine the role of this variant in disease conclusively. Therefore, this variant is classified as a Variant of Uncertain Significance.

This study involves interpretation of variants in research participants for the purpose of population health screening. Participant phenotype was not available at the time of variant classification. Additional details can be found in publication PMID: 35346344, PMCID: PMC8962531

NM_000540.3(RYR1):c.737A>T (p.Tyr246Phe)

Gene: RYR1 (ryanodine receptor 1; plus strand). Cytogenetic location: 19q13.2.
Variant type: single nucleotide variant.
Coding change: c.737A>T on transcript NM_000540.3 (MANE Select); coding-DNA position 737, A replaced by T.
Protein change: p.Tyr246Phe; replaces tyrosine 246 with phenylalanine.
Molecular consequence: missense variant.
Genome position (GRCh38, 1-based): chr19:38,446,705, A>T. VCF-style: chr19-38446705-A-T. GRCh37 (hg19) VCF-style: chr19-38937345-A-T.
Other names: c.737A>T, p.Tyr246Phe (NM_001042723.2); short protein forms Y246F.
Identifiers: ClinVar variation 3071272 (VCV003071272.4), dbSNP rs923613797, ClinGen allele CA405680159.